The following is an entry in ClinVar:

ClinVar aggregate classification (germline): Likely benign (0 of 4 stars; one submission).

Conditions:
CPB2-related disorder. Also called: CPB2-related condition.

Allele frequency attached by ClinVar (database versions not stated): gnomAD exomes 0.00013; ExAC 0.00047; 1000 Genomes Project 30x 0.00156; ESP Exome Variant Server 0.00161; gnomAD 0.00162; TOPMed 0.00170; 1000 Genomes Project 0.00180.
gnomAD v4.1: 460 of 1,614,210 alleles (0.028%); highest among the groups gnomAD compares: African/African-American, 0.55%; 2 homozygotes.

Submission:

PreventionGenetics, part of Exact Sciences
Classification: Likely benign for CPB2-related condition. Last evaluated: 2019-08-14. Review status: no assertion criteria provided. Collection method: clinical testing. Allele origin: germline.
Comment: This variant is classified as likely benign based on ACMG/AMP sequence variant interpretation guidelines (Richards et al. 2015 PMID: 25741868, with internal and published modifications).

NM_001872.5(CPB2):c.1215T>C (p.Cys405=)

Genes: CPB2 (carboxypeptidase B2; minus strand), CPB2-AS1 (CPB2 antisense RNA 1; plus strand). Cytogenetic location: 13q14.13.
Variant type: single nucleotide variant.
Coding change: c.1215T>C on transcript NM_001872.5 (MANE Select); coding-DNA position 1215, T replaced by C.
Protein change: p.Cys405=; no amino-acid change (cysteine 405 retained).
Molecular consequence: synonymous variant.
Genome position (GRCh38, 1-based): chr13:46,053,671, A>G on the plus strand (T>C on the coding strand, the complement: CPB2 is on the minus strand). VCF-style: chr13-46053671-A-G. GRCh37 (hg19) VCF-style: chr13-46627806-A-G.
Other names: c.1104T>C, p.Cys368= (NM_001278541.2).
Identifiers: ClinVar variation 3035536 (VCV003035536.2), dbSNP rs138269290, ClinGen allele CA6974740.